The following is an entry in ClinVar:

ClinVar aggregate classification (germline): Benign/Likely benign. Review status: criteria provided, multiple submitters, no conflicts (2 of 4 stars). 4 submissions from 4 submitters: Benign (1); Likely benign (2). 1 of the submissions does not count toward it. Last evaluated 2026-01-08.

Conditions:
MIPEP-related disorder. Also called: MIPEP-related condition.
Inborn genetic diseases. Identifiers: MedGen C0950123, MeSH D030342.

Allele frequency attached by ClinVar (database versions not stated): ESP Exome Variant Server 0.00031; gnomAD exomes 0.00085 and 0.00133; gnomAD 0.00091; 1000 Genomes Project 0.00100; 1000 Genomes Project 30x 0.00109; ExAC 0.00150.
gnomAD v4.1: 1,367 of 1,613,742 alleles (0.085%); highest among the groups gnomAD compares: South Asian, 0.11%; 4 homozygotes.

Submissions (4):

Labcorp Genetics (formerly Invitae), Labcorp
Classification: Benign. Last evaluated: 2026-01-08. Review status: criteria provided, single submitter. Criteria: Invitae Variant Classification Sherloc (09022015). Collection method: clinical testing. Allele origin: germline.

Blueprint Genetics
Classification: Likely benign. Last evaluated: 2024-11-13. Review status: criteria provided, single submitter. Criteria: ACMG Guidelines, 2015. Collection method: clinical testing. Allele origin: germline.

Ambry Genetics
Classification: Likely benign for Inborn genetic diseases. Last evaluated: 2024-06-26. Review status: criteria provided, single submitter. Criteria: Ambry Variant Classification Scheme 2023. Collection method: clinical testing. Allele origin: germline.

PreventionGenetics, part of Exact Sciences
Classification: Likely benign for MIPEP-related condition. Last evaluated: 2020-02-07. Review status: no assertion criteria provided. Collection method: clinical testing. Allele origin: germline. Not counted in ClinVar's aggregate classification.
Comment: This variant is classified as likely benign based on ACMG/AMP sequence variant interpretation guidelines (Richards et al. 2015 PMID: 25741868, with internal and published modifications).

NM_005932.4(MIPEP):c.862A>C (p.Ser288Arg)

Gene: MIPEP (mitochondrial intermediate peptidase; minus strand). Cytogenetic location: 13q12.12.
Variant type: single nucleotide variant.
Coding change: c.862A>C on transcript NM_005932.4 (MANE Select); coding-DNA position 862, A replaced by C.
Protein change: p.Ser288Arg; replaces serine 288 with arginine.
Molecular consequence: missense variant.
Genome position (GRCh38, 1-based): chr13:23,869,373, T>G on the plus strand (A>C on the coding strand, the complement: MIPEP is on the minus strand). VCF-style: chr13-23869373-T-G. GRCh37 (hg19) VCF-style: chr13-24443512-T-G.
Other names: c.862A>C (NM_005932.3); short protein forms S288R.
Identifiers: ClinVar variation 1584733 (VCV001584733.12), dbSNP rs149856612, ClinGen allele CA6913183.